The following is an entry in ClinVar:

NM_001005242.3(PKP2):c.194C>T (p.Ala65Val)

Gene: PKP2 (plakophilin 2; minus strand). Cytogenetic location: 12p11.21.
Variant type: single nucleotide variant.
Coding change: c.194C>T on transcript NM_001005242.3 (MANE Select); coding-DNA position 194, C replaced by T.
Protein change: p.Ala65Val; replaces alanine 65 with valine.
Molecular consequence: missense variant.
Genome position (GRCh38, 1-based): chr12:32,896,538, G>A on the plus strand (C>T on the coding strand, the complement: PKP2 is on the minus strand). VCF-style: chr12-32896538-G-A. GRCh37 (hg19) VCF-style: chr12-33049472-G-A.
Other names: p.Ala65Val; c.194C>T, p.Ala65Val (NM_004572.4); short protein forms A65V.
Identifiers: ClinVar variation 581408 (VCV000581408.23), dbSNP rs139924723, ClinGen allele CA031543.
Genomic context (GRCh38, chr12:32,896,538, plus strand): 5'-GCGGCGCCGGGGAGCGGCGGGCTCCACTCACCGTTGCCCACGGAGCTGCGGCCCTTCCGG[G>A]CGAGGGTCTGCTGCACCTGCTCCTGGATCCGCAGGCTCTTGACTGTCTGGCCGCCGCGGC-3'
Protein context (NP_001005242.2, residues 55-75): RIQEQVQQTL[Ala65Val]RKGRSSVGNG

ClinVar aggregate classification (germline): Conflicting classifications of pathogenicity. Review status: criteria provided, conflicting classifications (1 of 4 stars). 8 submissions from 8 submitters: Uncertain significance (7); Likely benign (1). Last evaluated 2026-04-03.

Conditions:
Arrhythmogenic right ventricular dysplasia 9 (ARVD9). Also called: Arrhythmogenic Right Ventricular Dysplasia/Cardiomyopathy 9; ARRHYTHMOGENIC RIGHT VENTRICULAR DYSPLASIA, FAMILIAL, 9. Identifiers: MedGen C1836906, MONDO:0012180, OMIM 609040.
Arrhythmogenic right ventricular cardiomyopathy (ARVD). Also called: Arrhythmogenic Right Ventricular Cardiomyopathy (ARVC); Cardiomyopathy, ARVC; Arrhythmogenic right ventricular dysplasia; Arrhythmogenic cardiomyopathy. Identifiers: Orphanet 247, MedGen C0349788, MeSH D019571, MONDO:0016587. Disease mechanism: loss of function. Inheritance: Various modes of inheritance.
Cardiovascular phenotype. Identifiers: MedGen CN230736.
Cardiomyopathy (CMYO). Also called: Cardiomyopathies. Identifiers: Orphanet 167848, MedGen C0878544, MONDO:0004994, HP:0001638. Inheritance: Various modes of inheritance.

Allele frequency attached by ClinVar (database versions not stated): gnomAD 0.00010 and 0.00008; gnomAD exomes 0.00001 and 0.00003; ExAC 0.00003; ESP Exome Variant Server 0.00016; TOPMed 0.00012.
gnomAD v4.1: 25 of 1,573,720 alleles (0.0016%); highest among the groups gnomAD compares: African/African-American, 0.03%; no homozygotes.

Submissions (8):

Dasa
Classification: Uncertain significance. Last evaluated: 2026-04-03. Review status: criteria provided, single submitter. Criteria: DASA Assertion Criteria. Collection method: clinical testing. Allele origin: germline.
Comment: NM_001005242.3(PKP2):c.194C>T (p.Ala65Val) is a missense variant that results in the substitution of alanine with valine. This variant is rare in population databases. The currently available literature and clinical evidence are not sufficient to establish a definitive association between this variant and the reported condition. Therefore, this variant is classified as a variant of uncertain significance.

GeneDx
Classification: Uncertain significance. Last evaluated: 2026-03-04. Review status: criteria provided, single submitter. Criteria: GeneDx Variant Classification Process June 2021. Collection method: clinical testing. Allele origin: germline.
Comment: In silico analysis supports that this missense variant does not alter protein structure/function; This variant is associated with the following publications: (PMID: 34120153)

Labcorp Genetics (formerly Invitae), Labcorp
Classification: Uncertain significance for Arrhythmogenic right ventricular dysplasia 9. Last evaluated: 2026-01-26. Review status: criteria provided, single submitter. Criteria: Invitae Variant Classification Sherloc (09022015). Collection method: clinical testing. Allele origin: germline.
Comment: This sequence change replaces alanine, which is neutral and non-polar, with valine, which is neutral and non-polar, at codon 65 of the PKP2 protein (p.Ala65Val). This variant is present in population databases (rs139924723, gnomAD 0.03%). This missense change has been observed in individual(s) with PKP2-related conditions (internal data). ClinVar contains an entry for this variant (Variation ID: 581408). An algorithm developed to predict the effect of missense changes on protein structure and function (PolyPhen-2) suggests that this variant is likely to be disruptive. This variant disrupts the p.Ala65 amino acid residue in PKP2. Other variant(s) that disrupt this residue have been observed in individuals with PKP2-related conditions (PMID: 20400443), which suggests that this may be a clinically significant amino acid residue. In summary, the available evidence is currently insufficient to determine the role of this variant in disease. Therefore, it has been classified as a Variant of Uncertain Significance.

Ambry Genetics
Classification: Uncertain significance for Cardiovascular phenotype. Last evaluated: 2025-08-28. Review status: criteria provided, single submitter. Criteria: Ambry Variant Classification Scheme 2023. Collection method: clinical testing. Allele origin: germline.

Color Diagnostics, LLC DBA Color Health
Classification: Likely benign for Cardiomyopathy. Last evaluated: 2025-08-08. Review status: criteria provided, single submitter. Criteria: ACMG Guidelines, 2015. Collection method: clinical testing. Allele origin: germline.

Mayo Clinic Laboratories, Mayo Clinic
Classification: Uncertain significance. Last evaluated: 2025-08-03. Review status: criteria provided, single submitter. Criteria: ACMG Guidelines, 2015. Collection method: clinical testing. Allele origin: germline. Observed: 1 variant allele.

All of Us Research Program, National Institutes of Health
Classification: Uncertain significance for Arrhythmogenic right ventricular cardiomyopathy. Last evaluated: 2024-04-16. Review status: criteria provided, single submitter. Criteria: ACMG Guidelines, 2015. Collection method: clinical testing. Allele origin: germline. Inheritance: Autosomal dominant inheritance. Observed: 7 variant alleles, 7 heterozygotes.
Comment: This missense variant replaces alanine with valine at codon 65 of the PKP2 protein. Computational prediction suggests that this variant may not impact protein structure and function (internally defined REVEL score threshold <= 0.5, PMID: 27666373). To our knowledge, functional studies have not been reported for this variant. This variant has not been reported in individuals affected with PKP2-related disorders in the literature. This variant has been identified in 7/236698 chromosomes in the general population by the Genome Aggregation Database (gnomAD). The available evidence is insufficient to determine the role of this variant in disease conclusively. Therefore, this variant is classified as a Variant of Uncertain Significance.

This study involves interpretation of variants in research participants for the purpose of population health screening. Participant phenotype was not available at the time of variant classification. Additional details can be found in publication PMID: 35346344, PMCID: PMC8962531

Women's Health and Genetics/Laboratory Corporation of America, LabCorp
Classification: Uncertain significance. Last evaluated: 2019-04-29. Review status: criteria provided, single submitter. Criteria: LabCorp Variant Classification Summary - May 2015. Collection method: clinical testing. Allele origin: germline.
Comment: Variant summary: PKP2 c.194C>T (p.Ala65Val) results in a non-conservative amino acid change in the encoded protein sequence. Four of five in-silico tools predict a damaging effect of the variant on protein function. The variant allele was found at a frequency of 2.9e-05 in 205336 control chromosomes (gnomAD). The available data on variant occurrences in the general population are insufficient to allow any conclusion about variant significance. To our knowledge, no occurrence of c.194C>T in individuals affected with Cardiomyopathy and no experimental evidence demonstrating its impact on protein function have been reported. One submitter has provided clinical-significance assessments for this variant to ClinVar after 2014 without evidence for independent evaluation and classified the variant as uncertain significance. Based on the evidence outlined above, the variant was classified as uncertain significance.

Literature cited by the submitters: PubMed 20400443 (cited by Labcorp Genetics (formerly Invitae), Labcorp and Mayo Clinic Laboratories, Mayo Clinic); PubMed 34120153 (cited by Mayo Clinic Laboratories, Mayo Clinic).